The following is an entry in ClinVar:

NM_003105.6(SORL1):c.2995A>G (p.Asn999Asp)

Gene: SORL1 (sortilin related receptor 1; plus strand). Cytogenetic location: 11q24.1.
Variant type: single nucleotide variant.
Coding change: c.2995A>G on transcript NM_003105.6 (MANE Select); coding-DNA position 2995, A replaced by G.
Protein change: p.Asn999Asp; replaces asparagine 999 with aspartic acid.
Molecular consequence: missense variant.
Genome position (GRCh38, 1-based): chr11:121,559,603, A>G. VCF-style: chr11-121559603-A-G. GRCh37 (hg19) VCF-style: chr11-121430312-A-G.
Other names: c.2995A>G (NM_003105.5); short protein forms N999D.
Identifiers: ClinVar variation 2167496 (VCV002167496.5), dbSNP rs757083831, ClinGen allele CA6329108.
Genomic context (GRCh38, chr11:121,559,603, plus strand): 5'-TCACAGCTCAGCATATTCCGAGCTTCCAAATACAGTGGGTCCCAGATGGAGATTCTGGCA[A>G]ACCAGCTCACGGGGCTCATGGACATGAAGATTTTCTACAAGGGGAAGAACACTGGTAAGC-3'
Protein context (NP_003096.2, residues 989-1009): YSGSQMEILA[Asn999Asp]QLTGLMDMKI

ClinVar aggregate classification (germline): Uncertain significance. Review status: criteria provided, multiple submitters, no conflicts (2 of 4 stars). 2 submissions from 2 submitters: Uncertain significance (2). Last evaluated 2026-01-26.

Allele frequency attached by ClinVar (database versions not stated): gnomAD exomes 0.00005; ExAC 0.00006; gnomAD 0.00007; TOPMed 0.00011.
gnomAD v4.1: 81 of 1,614,048 alleles (0.005%); highest among the groups gnomAD compares: Admixed American, 0.022%; no homozygotes.

Submissions (2):

Labcorp Genetics (formerly Invitae), Labcorp
Classification: Uncertain significance. Last evaluated: 2026-01-26. Review status: criteria provided, single submitter. Criteria: Invitae Variant Classification Sherloc (09022015). Collection method: clinical testing. Allele origin: germline.
Comment: This sequence change replaces asparagine, which is neutral and polar, with aspartic acid, which is acidic and polar, at codon 999 of the SORL1 protein (p.Asn999Asp). This variant is present in population databases (rs757083831, gnomAD 0.02%). This variant has not been reported in the literature in individuals affected with SORL1-related conditions. ClinVar contains an entry for this variant (Variation ID: 2167496). An algorithm developed to predict the effect of missense changes on protein structure and function (PolyPhen-2) suggests that this variant is likely to be tolerated. In summary, the available evidence is currently insufficient to determine the role of this variant in disease. Therefore, it has been classified as a Variant of Uncertain Significance.

Ambry Genetics
Classification: Uncertain significance. Last evaluated: 2022-09-29. Review status: criteria provided, single submitter. Criteria: Ambry Variant Classification Scheme 2023. Collection method: clinical testing. Allele origin: germline.